The following is an entry in ClinVar:

ClinVar aggregate classification (germline): Uncertain significance (1 of 4 stars; one submission).

Conditions:
Polycystic kidney disease, adult type (PKD1). Also called: Polycystic Kidney, Autosomal Dominant; POLYCYSTIC KIDNEY DISEASE 1 WITH OR WITHOUT POLYCYSTIC LIVER DISEASE; Polycystic Kidney Disease 1, Autosomal Dominant; Polycystic kidney disease 1; Polycystic kidney disease 1, severe; POLYCYSTIC KIDNEY DISEASE, ADULT, TYPE I. Identifiers: MedGen C3149841, MONDO:0008263, OMIM 173900.

Submission:

MVZ Medizinische Genetik Mainz
Classification: Uncertain significance for Polycystic kidney disease, adult type. Last evaluated: 2023-08-28. Review status: criteria provided, single submitter. Criteria: UK Practice Guidelines For Variant Classification V4 01 2020. Collection method: clinical testing. Allele origin: germline. Inheritance: Autosomal dominant inheritance. Affected: yes. Observed: 1 variant allele.
Comment: ACMG Criteria: PM5,PM2_SUP,PP4,BP4

NM_001009944.3(PKD1):c.12464T>A (p.Phe4155Tyr)

Gene: PKD1 (polycystin 1, transient receptor potential channel interacting; minus strand). Cytogenetic location: 16p13.3.
Variant type: single nucleotide variant.
Coding change: c.12464T>A on transcript NM_001009944.3 (MANE Select); coding-DNA position 12464, T replaced by A.
Protein change: p.Phe4155Tyr; replaces phenylalanine 4155 with tyrosine.
Molecular consequence: missense variant.
Genome position (GRCh38, 1-based): chr16:2,090,175, A>T on the plus strand (T>A on the coding strand, the complement: PKD1 is on the minus strand). VCF-style: chr16-2090175-A-T. GRCh37 (hg19) VCF-style: chr16-2140176-A-T.
Other names: c.12461T>A, p.Phe4154Tyr (NM_000296.4); short protein forms F4154Y, F4155Y.
Identifiers: ClinVar variation 3066089 (VCV003066089.1), dbSNP rs2544581051, ClinGen allele CA394322806.